The following is an entry in ClinVar:

ClinVar aggregate classification (germline): Uncertain significance. Review status: criteria provided, multiple submitters, no conflicts (2 of 4 stars). 2 submissions from 2 submitters: Uncertain significance (2). Last evaluated 2025-12-21.

Conditions:
Hereditary cancer-predisposing syndrome. Also called: Neoplastic Syndromes, Hereditary; Tumor predisposition; Hereditary Cancer Syndrome; Hereditary neoplastic syndrome. Identifiers: Orphanet 140162, MedGen C0027672, MeSH D009386, MONDO:0015356.

gnomAD v4.1: 7 of 1,519,726 alleles (0.00046%); highest among the groups gnomAD compares: Non-Finnish European, 0.00064%; no homozygotes.

Submissions (2):

Ambry Genetics
Classification: Uncertain significance for Hereditary cancer-predisposing syndrome. Last evaluated: 2025-12-21. Review status: criteria provided, single submitter. Criteria: Ambry Variant Classification Scheme 2023. Collection method: clinical testing. Allele origin: germline.
Comment: The p.F752L variant (also known as c.2256T>G), located in coding exon 16 of the MSH3 gene, results from a T to G substitution at nucleotide position 2256. The phenylalanine at codon 752 is replaced by leucine, an amino acid with highly similar properties. This amino acid position is highly conserved in available vertebrate species. In addition, this alteration is predicted to be deleterious by in silico analysis. Since supporting evidence is limited at this time, the clinical significance of this alteration remains unclear.

Labcorp Genetics (formerly Invitae), Labcorp
Classification: Uncertain significance. Last evaluated: 2025-10-13. Review status: criteria provided, single submitter. Criteria: Invitae Variant Classification Sherloc (09022015). Collection method: clinical testing. Allele origin: germline.
Comment: This sequence change replaces phenylalanine, which is neutral and non-polar, with leucine, which is neutral and non-polar, at codon 752 of the MSH3 protein (p.Phe752Leu). This variant is not present in population databases (gnomAD no frequency). This variant has not been reported in the literature in individuals affected with MSH3-related conditions. ClinVar contains an entry for this variant (Variation ID: 1481303). An algorithm developed to predict the effect of missense changes on protein structure and function (PolyPhen-2) suggests that this variant is likely to be disruptive. In summary, the available evidence is currently insufficient to determine the role of this variant in disease. Therefore, it has been classified as a Variant of Uncertain Significance.

NM_002439.5(MSH3):c.2256T>G (p.Phe752Leu)

Gene: MSH3 (mutS homolog 3; plus strand). Cytogenetic location: 5q14.1.
Variant type: single nucleotide variant.
Coding change: c.2256T>G on transcript NM_002439.5 (MANE Select); coding-DNA position 2256, T replaced by G.
Protein change: p.Phe752Leu; replaces phenylalanine 752 with leucine.
Molecular consequence: missense variant.
Genome position (GRCh38, 1-based): chr5:80,775,696, T>G. VCF-style: chr5-80775696-T-G. GRCh37 (hg19) VCF-style: chr5-80071515-T-G.
Other names: short protein forms F752L.
Identifiers: ClinVar variation 1481303 (VCV001481303.10), dbSNP rs1423667148, ClinGen allele CA360280666.